The following is an entry in ClinVar:

NM_000352.6(ABCC8):c.794G>A (p.Arg265Gln)

Gene: ABCC8 (ATP binding cassette subfamily C member 8; minus strand). Cytogenetic location: 11p15.1.
Variant type: single nucleotide variant.
Coding change: c.794G>A on transcript NM_000352.6 (MANE Select); coding-DNA position 794, G replaced by A.
Protein change: p.Arg265Gln; replaces arginine 265 with glutamine.
Molecular consequence: missense variant. On other transcripts: non-coding transcript variant (1).
Genome position (GRCh38, 1-based): chr11:17,461,611, C>T on the plus strand (G>A on the coding strand, the complement: ABCC8 is on the minus strand). VCF-style: chr11-17461611-C-T. GRCh37 (hg19) VCF-style: chr11-17483158-C-T.
Other names: c.794G>A, p.Arg265Gln (NM_001287174.3, NM_001351295.2, NM_001351296.2 and 1 more transcripts); short protein forms R265Q.
Identifiers: ClinVar variation 453073 (VCV000453073.5), dbSNP rs757018137, ClinGen allele CA5903777.

ClinVar aggregate classification (germline): Uncertain significance. Review status: criteria provided, multiple submitters, no conflicts (2 of 4 stars). 4 submissions from 3 submitters: Uncertain significance (3). 1 of the submissions does not count toward it. Last evaluated 2020-08-11.

Conditions:
Transitory neonatal diabetes mellitus. Also called: Transient neonatal diabetes mellitus. Identifiers: MedGen C0342273, MONDO:0020525, HP:0008255.
Maturity-onset diabetes of the young (MODY). Also called: Maturity onset diabetes mellitus in young. Identifiers: Orphanet 552, MedGen C0342276, MONDO:0018911, HP:0004904.
Hereditary hyperinsulinism.

Allele frequency attached by ClinVar (database versions not stated): gnomAD 0.00001; TOPMed 0.00002; gnomAD exomes 0.00003; ExAC 0.00004.
gnomAD v4.1: 14 of 1,614,126 alleles (0.00087%); highest among the groups gnomAD compares: Admixed American, 0.0033%; no homozygotes.

Submissions (4):

GeneDx
Classification: Uncertain significance. Last evaluated: 2020-08-11. Review status: criteria provided, single submitter. Criteria: GeneDx Variant Classification Process June 2021. Collection method: clinical testing. Allele origin: germline. Affected: yes.
Comment: In silico analysis supports that this missense variant does not alter protein structure/function; Has not been previously published as pathogenic or benign to our knowledge; In-silico analysis, which includes splice predictors and evolutionary conservation, is inconclusive as to whether the variant alters gene splicing. In the absence of RNA/functional studies, the actual effect of this sequence change is unknown.

Clinical Genomics, Uppaluri K&H Personalized Medicine Clinic
Classification: Uncertain significance for Transitory neonatal diabetes mellitus. Review status: criteria provided, single submitter. Criteria: K & H Uppaluri Personalized Medicine Clinic Variant Classification & Assertion Criteria_Updated V.1. Collection method: research. Allele origin: unknown. Inheritance: Somatic mutation.
Comment: Mutations in ABCC8 gene are associated with both neonatal diabetes mellitus as well as MODY. Patients with this mutation may have a better response to sulfonylureas. However, no sufficient evidence is found to ascertain the role of this particular variant ( rs757018137) in neonatal diabetes yet.

Clinical Genomics, Uppaluri K&H Personalized Medicine Clinic
Classification: Uncertain significance for Maturity-onset diabetes of the young. Review status: criteria provided, single submitter. Criteria: K & H Uppaluri Personalized Medicine Clinic Variant Classification & Assertion Criteria_Updated V.1. Collection method: research. Allele origin: unknown. Inheritance: Somatic mutation.
Comment: Mutations in ABCC8 gene are associated with both neonatal diabetes mellitus as well as MODY. Patients with this mutation may have a better response to sulfonylureas. However, no sufficient evidence is found to ascertain the role of this particular variant ( rs757018137) in MODY yet.

Natera, Inc.
Classification: Uncertain significance for Hereditary hyperinsulinism. Last evaluated: 2019-10-28. Review status: no assertion criteria provided. Collection method: clinical testing. Allele origin: germline. Not counted in ClinVar's aggregate classification.

Literature cited by the submitters: PubMed 16885549 (cited by Clinical Genomics, Uppaluri K&H Personalized Medicine Clinic); PubMed 21989597 (cited by Clinical Genomics, Uppaluri K&H Personalized Medicine Clinic); PubMed 27538677 (cited by Clinical Genomics, Uppaluri K&H Personalized Medicine Clinic); PubMed 18981553 (cited by Clinical Genomics, Uppaluri K&H Personalized Medicine Clinic); PubMed 32027066 (cited by Clinical Genomics, Uppaluri K&H Personalized Medicine Clinic); PubMed 16613899 (cited by Clinical Genomics, Uppaluri K&H Personalized Medicine Clinic); PubMed 18025408 (cited by Clinical Genomics, Uppaluri K&H Personalized Medicine Clinic); PubMed 32792356 (cited by Clinical Genomics, Uppaluri K&H Personalized Medicine Clinic).